The following is an entry in ClinVar:

NM_003922.4(HERC1):c.13577G>A (p.Gly4526Glu)

Gene: HERC1 (HECT and RLD domain containing E3 ubiquitin protein ligase family member 1; minus strand). Cytogenetic location: 15q22.31.
Variant type: single nucleotide variant.
Coding change: c.13577G>A on transcript NM_003922.4 (MANE Select); coding-DNA position 13577, G replaced by A.
Protein change: p.Gly4526Glu; replaces glycine 4526 with glutamic acid.
Molecular consequence: missense variant.
Genome position (GRCh38, 1-based): chr15:63,623,759, C>T on the plus strand (G>A on the coding strand, the complement: HERC1 is on the minus strand). VCF-style: chr15-63623759-C-T. GRCh37 (hg19) VCF-style: chr15-63915958-C-T.
Other names: short protein forms G4526E.
Identifiers: ClinVar variation 1197514 (VCV001197514.2), dbSNP rs2068185809, ClinGen allele CA392734119.

ClinVar aggregate classification (germline): Uncertain significance (1 of 4 stars; one submission).

Submission:

GeneDx
Classification: Uncertain significance. Last evaluated: 2019-10-15. Review status: criteria provided, single submitter. Criteria: GeneDx Variant Classification Process June 2021. Collection method: clinical testing. Allele origin: germline. Affected: yes.
Comment: Not observed in large population cohorts (Lek et al., 2016); In silico analysis, which includes protein predictors and evolutionary conservation, supports a deleterious effect; Has not been previously published as pathogenic or benign to our knowledge